The following is an entry in ClinVar:

NM_003506.4(FZD6):c.346C>T (p.Arg116Ter)

Gene: FZD6 (frizzled class receptor 6; plus strand). Cytogenetic location: 8q22.3.
Variant type: single nucleotide variant.
Coding change: c.346C>T on transcript NM_003506.4 (MANE Select); coding-DNA position 346, C replaced by T.
Protein change: p.Arg116Ter; replaces arginine 116 with a stop codon.
Molecular consequence: nonsense. On other transcripts: non-coding transcript variant (1), intron variant (1).
Genome position (GRCh38, 1-based): chr8:103,318,758, C>T. VCF-style: chr8-103318758-C-T. GRCh37 (hg19) VCF-style: chr8-104330986-C-T.
Other names: c.346C>T, p.Arg116Ter (NM_001164615.2); c.250C>T, p.Arg84Ter (NM_001164616.2); c.33-6296C>T (NM_001317796.2); short protein forms R116*, R84*.
Identifiers: ClinVar variation 438765 (VCV000438765.2), dbSNP rs769116796, ClinGen allele CA4834765.

ClinVar aggregate classification (germline): Pathogenic. Review status: criteria provided, single submitter (1 of 4 stars). 2 submissions from 2 submitters: Pathogenic (1). 1 of the submissions does not count toward it. Last evaluated 2017-11-24.

Conditions:
Nephroblastoma. Also called: Wilms' tumor; Wilms tumor. Identifiers: Orphanet 654, MedGen C0027708, MeSH D009396, MONDO:0006058, HP:0002667.

Allele frequency attached by ClinVar (database versions not stated): gnomAD 0.00001; gnomAD exomes 0.00001 and 0.00003; ExAC 0.00002; TOPMed 0.00004.
gnomAD v4.1: 37 of 1,608,832 alleles (0.0023%); highest among the groups gnomAD compares: Non-Finnish European, 0.0031%; no homozygotes.

Submissions (2):

GeneDx
Classification: Pathogenic. Last evaluated: 2017-11-24. Review status: criteria provided, single submitter. Criteria: GeneDx Variant Classification (06012015). Collection method: clinical testing. Allele origin: germline. Affected: yes.
Comment: The R116X variant in the FZD6 gene has not been reported previously as a pathogenic variant nor as a benign variant, to our knowledge. This variant is predicted to cause loss of normal protein function either through protein truncation or nonsense-mediated mRNA decay. The R116X variant is not observed at a significant frequency in large population cohorts (Lek et al., 2016). We interpret R116X as a pathogenic variant.

Donald Williams Parsons Laboratory, Baylor College of Medicine
Classification: other for WILMS TUMOR. Last evaluated: 2016-05-01. Review status: no assertion criteria provided. Collection method: clinical testing. Allele origin: somatic. Inheritance: Somatic mutation. Affected: yes. Study: CSER-BASIC3. Not counted in ClinVar's aggregate classification.

Literature cited by the submitters: PubMed 26822237 (cited by Donald Williams Parsons Laboratory, Baylor College of Medicine).